The following is an entry in ClinVar:

NM_000062.3(SERPING1):c.52-2A>G

Gene: SERPING1 (serpin family G member 1; plus strand). Cytogenetic location: 11q12.1.
Variant type: single nucleotide variant.
Coding change: c.52-2A>G on transcript NM_000062.3 (MANE Select); the canonical splice acceptor site of the intron before coding-DNA position 52, A replaced by G.
Molecular consequence: splice acceptor variant.
Genome position (GRCh38, 1-based): chr11:57,599,877, A>G. VCF-style: chr11-57599877-A-G. GRCh37 (hg19) VCF-style: chr11-57367350-A-G.
Other names: c.52-2A>G (NM_001032295.2).
Identifiers: ClinVar variation 3255482 (VCV003255482.2), dbSNP rs2495424954.

ClinVar aggregate classification (germline): Pathogenic (1 of 4 stars; one submission).

Conditions:
Hereditary angioedema type 1 (HAE1). Identifiers: Orphanet 100050, Orphanet 100051, Orphanet 91378, MedGen C2717906, MONDO:0015053, OMIM 106100.

Submission:

DNA-diagnostics Laboratory, Research Centre For Medical Genetics
Classification: Pathogenic for Hereditary angioedema type 1. Last evaluated: 2024-07-20. Review status: criteria provided, single submitter. Criteria: ACMG Guidelines, 2015. Collection method: research. Allele origin: germline. Inheritance: Autosomal dominant inheritance. Affected: yes. Observed: 1 heterozygote.
Comment: According to our observation and the published information of Pappalardo et all, 2008, the c.52-2A>G variant in SERPING1 meets ACMG/ClinGen SVI guidance criteria to be classified as pathogenic: PVS1, PP4_Str, PS4_Mod, PM2_Sup

Literature cited by the submitters: PubMed 18586324.